The following is an entry in ClinVar:

ClinVar aggregate classification (germline): Uncertain significance. Review status: criteria provided, multiple submitters, no conflicts (2 of 4 stars). 6 submissions from 6 submitters: Uncertain significance (6). Last evaluated 2025-02-24.

Conditions:
Familial cancer of breast. Also called: Hereditary breast cancer; hereditary breast carcinoma; BREAST CANCER, FAMILIAL. Identifiers: Orphanet 227535, MedGen C0346153, MONDO:0016419, OMIM 114480. Disease mechanism: loss of function.
Ataxia-telangiectasia syndrome (AT). Also called: LOUIS-BAR SYNDROME; Ataxia telangiectasia (A-T); Cerebello-oculocutaneous telangiectasia; Immunodeficiency with ataxia telangiectasia; ATAXIA-TELANGIECTASIA, COMPLEMENTATION GROUP A; ATAXIA-TELANGIECTASIA, FRESNO VARIANT. Identifiers: Orphanet 100, MedGen C0004135, MONDO:0008840, OMIM 208900.
Hereditary cancer-predisposing syndrome. Also called: Hereditary neoplastic syndrome; Tumor predisposition; Neoplastic Syndromes, Hereditary; Hereditary Cancer Syndrome. Identifiers: Orphanet 140162, MedGen C0027672, MeSH D009386, MONDO:0015356.

Submissions (6):

Molecular Pathology, Peter Maccallum Cancer Centre
Classification: Uncertain significance for Ataxia-telangiectasia syndrome. Last evaluated: 2025-02-24. Review status: criteria provided, single submitter. Criteria: ACMG Guidelines, 2015. Collection method: clinical testing. Allele origin: germline. Inheritance: Autosomal recessive inheritance.

Labcorp Genetics (formerly Invitae), Labcorp
Classification: Uncertain significance for Ataxia-telangiectasia syndrome. Last evaluated: 2024-06-28. Review status: criteria provided, single submitter. Criteria: Invitae Variant Classification Sherloc (09022015). Collection method: clinical testing. Allele origin: germline.
Comment: This sequence change replaces leucine, which is neutral and non-polar, with proline, which is neutral and non-polar, at codon 1028 of the ATM protein (p.Leu1028Pro). This variant is not present in population databases (gnomAD no frequency). This variant has not been reported in the literature in individuals affected with ATM-related conditions. ClinVar contains an entry for this variant (Variation ID: 953121). An algorithm developed to predict the effect of missense changes on protein structure and function (PolyPhen-2) suggests that this variant is likely to be disruptive. In summary, the available evidence is currently insufficient to determine the role of this variant in disease. Therefore, it has been classified as a Variant of Uncertain Significance.

Baylor Genetics
Classification: Uncertain significance for Familial cancer of breast. Last evaluated: 2023-11-19. Review status: criteria provided, single submitter. Criteria: ACMG Guidelines, 2015. Collection method: clinical testing. Allele origin: unknown.

Ambry Genetics
Classification: Uncertain significance for Hereditary cancer-predisposing syndrome. Last evaluated: 2022-10-27. Review status: criteria provided, single submitter. Criteria: Ambry Variant Classification Scheme 2023. Collection method: clinical testing. Allele origin: germline.
Comment: The p.L1028P variant (also known as c.3083T>C), located in coding exon 20 of the ATM gene, results from a T to C substitution at nucleotide position 3083. The leucine at codon 1028 is replaced by proline, an amino acid with similar properties. This amino acid position is highly conserved in available vertebrate species. In addition, this alteration is predicted to be deleterious by in silico analysis. Since supporting evidence is limited at this time, the clinical significance of this alteration remains unclear.

Color Diagnostics, LLC DBA Color Health
Classification: Uncertain significance for Hereditary cancer-predisposing syndrome. Last evaluated: 2021-10-25. Review status: criteria provided, single submitter. Criteria: ACMG Guidelines, 2015. Collection method: clinical testing. Allele origin: germline.
Comment: This missense variant replaces leucine with proline at codon 1028 of the ATM protein. Computational prediction suggests that this variant may have deleterious impact on protein structure and function (internally defined REVEL score threshold >= 0.7, PMID: 27666373). To our knowledge, functional studies have not been reported for this variant. This variant has not been reported in individuals affected with hereditary cancer in the literature. This variant has not been identified in the general population by the Genome Aggregation Database (gnomAD). The available evidence is insufficient to determine the role of this variant in disease conclusively. Therefore, this variant is classified as a Variant of Uncertain Significance.

GeneDx
Classification: Uncertain significance. Last evaluated: 2020-10-21. Review status: criteria provided, single submitter. Criteria: GeneDx Variant Classification Process June 2021. Collection method: clinical testing. Allele origin: germline. Affected: yes.
Comment: Not observed in large population cohorts (Lek et al., 2016); In silico analysis supports that this missense variant has a deleterious effect on protein structure/function; Has not been previously published as pathogenic or benign to our knowledge

NM_000051.4(ATM):c.3083T>C (p.Leu1028Pro)

Gene: ATM (ATM serine/threonine kinase; plus strand). Cytogenetic location: 11q22.3.
Variant type: single nucleotide variant.
Coding change: c.3083T>C on transcript NM_000051.4 (MANE Select); coding-DNA position 3083, T replaced by C.
Protein change: p.Leu1028Pro; replaces leucine 1028 with proline.
Molecular consequence: missense variant.
Genome position (GRCh38, 1-based): chr11:108,272,537, T>C. VCF-style: chr11-108272537-T-C. GRCh37 (hg19) VCF-style: chr11-108143264-T-C.
Other names: c.3083T>C, p.Leu1028Pro (NM_001351834.2); short protein forms L1028P.
Identifiers: ClinVar variation 953121 (VCV000953121.17), dbSNP rs1555085776, ClinGen allele CA382515008.
Genomic context (GRCh38, chr11:108,272,537, plus strand): 5'-CTGAGTGCTTTTATCAGAATGATTATTTAACTTTGGAAAACTTACTTGATTTCAGGCATC[T>C]AACAAAGGAGAGGAAATATATATTCTCTGTAAGAATGGCCCTAGTAAATTGCCTTAAAAC-3'
Protein context (NP_000042.3, residues 1018-1038): FLTVIGAFWH[Leu1028Pro]TKERKYIFSV